The following is an entry in ClinVar:

ClinVar aggregate classification (germline): Uncertain significance (1 of 4 stars; one submission).

gnomAD v4.1: 4 of 1,606,338 alleles (0.00025%); highest among the groups gnomAD compares: Middle Eastern, 0.017%; no homozygotes.

Submission:

Labcorp Genetics (formerly Invitae), Labcorp
Classification: Uncertain significance. Last evaluated: 2024-01-22. Review status: criteria provided, single submitter. Criteria: Invitae Variant Classification Sherloc (09022015). Collection method: clinical testing. Allele origin: germline.
Comment: This sequence change replaces threonine, which is neutral and polar, with methionine, which is neutral and non-polar, at codon 608 of the ACAN protein (p.Thr608Met). This variant is not present in population databases (gnomAD no frequency). This variant has not been reported in the literature in individuals affected with ACAN-related conditions. Advanced modeling of protein sequence and biophysical properties (such as structural, functional, and spatial information, amino acid conservation, physicochemical variation, residue mobility, and thermodynamic stability) performed at Invitae indicates that this missense variant is not expected to disrupt ACAN protein function with a negative predictive value of 80%. In summary, the available evidence is currently insufficient to determine the role of this variant in disease. Therefore, it has been classified as a Variant of Uncertain Significance.

NM_001369268.1(ACAN):c.1823C>T (p.Thr608Met)

Gene: ACAN (aggrecan; plus strand). Cytogenetic location: 15q26.1.
Variant type: single nucleotide variant.
Coding change: c.1823C>T on transcript NM_001369268.1 (MANE Select); coding-DNA position 1823, C replaced by T.
Protein change: p.Thr608Met; replaces threonine 608 with methionine.
Molecular consequence: missense variant.
Genome position (GRCh38, 1-based): chr15:88,849,528, C>T. VCF-style: chr15-88849528-C-T. GRCh37 (hg19) VCF-style: chr15-89392759-C-T.
Other names: c.1823C>T, p.Thr608Met (NM_001135.4, NM_001411096.1, NM_001411097.1 and 1 more transcripts); short protein forms T608M.
Identifiers: ClinVar variation 2966359 (VCV002966359.3), dbSNP rs1259839311, ClinGen allele CA393711586.
Genomic context (GRCh38, chr15:88,849,528, plus strand): 5'-AGTTCACCTTCCAGGAAGCACTGGAGTTCTGTGAATCTCACAATGCTACGCTGGCCACCA[C>T]GGGCCAGCTCTACGCCGCCTGGAGCCGCGGCCTGGACAAGTGCTATGCCGGCTGGCTGGC-3'
Protein context (NP_001356197.1, residues 598-618): CESHNATLAT[Thr608Met]GQLYAAWSRG